The following is an entry in ClinVar:

NM_001348716.2(KDM6B):c.4908+52G>T

Gene: KDM6B (lysine demethylase 6B; plus strand). Cytogenetic location: 17p13.1.
Variant type: single nucleotide variant.
Coding change: c.4908+52G>T on transcript NM_001348716.2 (MANE Select); 52 bases into the intron after coding-DNA position 4908, G replaced by T.
Molecular consequence: intron variant. On other transcripts: missense variant (1).
Genome position (GRCh38, 1-based): chr17:7,853,432, G>T. VCF-style: chr17-7853432-G-T. GRCh37 (hg19) VCF-style: chr17-7756750-G-T.
Other names: c.4960G>T, p.Ala1654Ser (NM_001080424.2); short protein forms A1654S.
Identifiers: ClinVar variation 3630039 (VCV003630039.1).

ClinVar aggregate classification (germline): Uncertain significance (1 of 4 stars; one submission).

Submission:

Women's Health and Genetics/Laboratory Corporation of America, LabCorp
Classification: Uncertain significance. Last evaluated: 2024-11-18. Review status: criteria provided, single submitter. Criteria: LabCorp Variant Classification Summary - May 2015. Collection method: clinical testing. Allele origin: germline.
Comment: Variant summary: KDM6B c.4960G>T (p.Ala1654Ser) results in a conservative amino acid change in the encoded protein sequence. Five of five in-silico tools predict a benign effect of the variant on protein function. The variant was absent in 126770 control chromosomes. The available data on variant occurrences in the general population are insufficient to allow any conclusion about variant significance. To our knowledge, no occurrence of c.4960G>T in individuals affected with Neurodevelopmental Disorder With Coarse Facies And Mild Distal Skeletal Abnormalities and no experimental evidence demonstrating its impact on protein function have been reported. No submitters have cited clinical-significance assessments for this variant to ClinVar. Based on the evidence outlined above, the variant was classified as uncertain significance.